The following is an entry in ClinVar:

ClinVar aggregate classification (germline): Conflicting classifications of pathogenicity. Review status: criteria provided, conflicting classifications (1 of 4 stars). 4 submissions from 4 submitters: Likely pathogenic (3); Uncertain significance (1). Last evaluated 2025-12-22.

Conditions:
Hematuria, benign familial, 2 (BFH2). Identifiers: MedGen C5830421, MONDO:0958186, OMIM 620320.
Alport syndrome 3b, autosomal recessive. Identifiers: MedGen C5882699, MONDO:0957811, OMIM 620536.
Autosomal dominant Alport syndrome (ATS3A). Also called: ALPORT SYNDROME 3A, AUTOSOMAL DOMINANT; Alport syndrome dominant type; Renal failure and sensorineural hearing loss. Identifiers: Orphanet 63, Orphanet 88918, MedGen C5882663, MONDO:0007086, OMIM 104200.
Alport syndrome. Also called: Hemorrhagic familial nephritis; Hemorrhagic hereditary nephritis; Congenital hereditary hematuria. Identifiers: Orphanet 63, MedGen C1567741, MONDO:0018965.
COL4A3-related disorder. Also called: COL4A3-related condition; COL4A3-Related Disorders.

Submissions (4):

PreventionGenetics, part of Exact Sciences
Classification: Likely pathogenic for COL4A3-related condition. Last evaluated: 2025-12-22. Review status: criteria provided, single submitter. Criteria: ACMG Guidelines, 2015. Collection method: clinical testing. Allele origin: germline.
Comment: The COL4A3 c.2629G>A variant is predicted to result in the amino acid substitution p.Gly877Arg. The p.Gly877Arg residue is located in the conserved triple helical domain, where substitutions of the glycine are usually pathogenic (UniProt residues 43-1438, Hudson et al. 1993. PubMed ID: 8253711; Nozu et al. 2001. [Update 2025]. PubMed ID: 20301386). To our knowledge, this variant has not been reported in the literature or in a large population database (gnomAD), indicating this variant is rare. This variant is interpreted as likely pathogenic.

Natera, Inc.
Classification: Likely pathogenic for Alport syndrome. Last evaluated: 2025-08-25. Review status: criteria provided, single submitter. Criteria: Natera Variant Classification Schema (03/2026). Collection method: clinical testing. Allele origin: germline.
Comment: The c.2629G>A variant in COL4A3 is a missense variant predicted to cause substitution of glycine to arginine at amino acid 877. This variant is rare in the general population with a frequency below the threshold expected for the associated phenotype(s). This variant is located in a functionally critical region of the protein. Computational prediction algorithms indicate this variant is likely to affect gene or protein function. Given the available evidence, this variant is classified as Likely Pathogenic.

Labcorp Genetics (formerly Invitae), Labcorp
Classification: Uncertain significance. Last evaluated: 2024-05-18. Review status: criteria provided, single submitter. Criteria: Invitae Variant Classification Sherloc (09022015). Collection method: clinical testing. Allele origin: germline.
Comment: This sequence change replaces glycine, which is neutral and non-polar, with arginine, which is basic and polar, at codon 877 of the COL4A3 protein (p.Gly877Arg). This variant is not present in population databases (gnomAD no frequency). This variant has not been reported in the literature in individuals affected with COL4A3-related conditions. Advanced modeling of protein sequence and biophysical properties (such as structural, functional, and spatial information, amino acid conservation, physicochemical variation, residue mobility, and thermodynamic stability) performed at Invitae indicates that this missense variant is expected to disrupt COL4A3 protein function with a positive predictive value of 80%. In summary, the available evidence is currently insufficient to determine the role of this variant in disease. Therefore, it has been classified as a Variant of Uncertain Significance.

Fulgent Genetics
Classification: Likely pathogenic for Autosomal dominant Alport syndrome; Hematuria, benign familial, 2; Alport syndrome 3b, autosomal recessive. Last evaluated: 2024-02-20. Review status: criteria provided, single submitter. Criteria: ACMG Guidelines, 2015. Collection method: clinical testing. Allele origin: germline.

NM_000091.5(COL4A3):c.2629G>A (p.Gly877Arg)

Genes: COL4A3 (collagen type IV alpha 3 chain; plus strand), MFF-DT (MFF divergent transcript; minus strand). Cytogenetic location: 2q36.3.
Variant type: single nucleotide variant.
Coding change: c.2629G>A on transcript NM_000091.5 (MANE Select); coding-DNA position 2629, G replaced by A.
Protein change: p.Gly877Arg; replaces glycine 877 with arginine.
Molecular consequence: missense variant.
Genome position (GRCh38, 1-based): chr2:227,282,505, G>A. VCF-style: chr2-227282505-G-A. GRCh37 (hg19) VCF-style: chr2-228147221-G-A.
Other names: short protein forms G877R.
Identifiers: ClinVar variation 3586063 (VCV003586063.5).